The following is an entry in ClinVar:

ClinVar aggregate classification (germline): Pathogenic (1 of 4 stars; one submission).

Conditions:
Ataxia-telangiectasia syndrome (AT). Also called: LOUIS-BAR SYNDROME; Cerebello-oculocutaneous telangiectasia; Immunodeficiency with ataxia telangiectasia; AT, COMPLEMENTATION GROUP C; Ataxia-telangiectasia, complementation group D; ATAXIA-TELANGIECTASIA, COMPLEMENTATION GROUP A. Identifiers: Orphanet 100, MedGen C0004135, MONDO:0008840, OMIM 208900.

Submission:

Labcorp Genetics (formerly Invitae), Labcorp
Classification: Pathogenic for Ataxia-telangiectasia syndrome. Last evaluated: 2023-12-05. Review status: criteria provided, single submitter. Criteria: Invitae Variant Classification Sherloc (09022015). Collection method: clinical testing. Allele origin: unknown.
Comment: This variant is a gross deletion of the genomic region encompassing exon(s) 27 of the ATM gene. This deletion is out-of-frame, and is expected to create a premature termination codon and result in an absent or disrupted protein product. Loss-of-function variants in ATM are known to be pathogenic (PMID: 23807571, 25614872). This variant has not been reported in the literature in individuals affected with ATM-related conditions. For these reasons, this variant has been classified as Pathogenic.

Literature cited by the submitters: PubMed 23807571; PubMed 25614872.

NC_000011.9:g.(?_108158168)_(108158452_?)del

Gene: ATM (ATM serine/threonine kinase; plus strand). Cytogenetic location: 11q22.3.
Variant type: Deletion.
Identifiers: ClinVar variation 3244453 (VCV003244453.1).